The following is an entry in ClinVar:

NM_003072.5(SMARCA4):c.448G>A (p.Gly150Arg)

Gene: SMARCA4 (SWI/SNF related BAF chromatin remodeling complex subunit ATPase 4; plus strand). Cytogenetic location: 19p13.2.
Variant type: single nucleotide variant.
Coding change: c.448G>A on transcript NM_003072.5 (MANE Select); coding-DNA position 448, G replaced by A.
Protein change: p.Gly150Arg; replaces glycine 150 with arginine.
Molecular consequence: missense variant. On other transcripts: non-coding transcript variant (1).
Genome position (GRCh38, 1-based): chr19:10,986,281, G>A. VCF-style: chr19-10986281-G-A. GRCh37 (hg19) VCF-style: chr19-11096957-G-A.
Other names: c.448G>A, p.Gly150Arg (NM_001128844.3, NM_001128845.2, NM_001128846.2 and 5 more transcripts); short protein forms G150R.
Identifiers: ClinVar variation 470401 (VCV000470401.8), dbSNP rs1555753081, ClinGen allele CA404055979.

ClinVar aggregate classification (germline): Uncertain significance (1 of 4 stars; one submission).

Conditions:
Rhabdoid tumor predisposition syndrome 2 (RTPS2). Identifiers: Orphanet 231108, Orphanet 69077, MedGen C2750074, MONDO:0013224, OMIM 613325.

Submission:

Labcorp Genetics (formerly Invitae), Labcorp
Classification: Uncertain significance for Rhabdoid tumor predisposition syndrome 2. Last evaluated: 2024-10-31. Review status: criteria provided, single submitter. Criteria: Invitae Variant Classification Sherloc (09022015). Collection method: clinical testing. Allele origin: germline.
Comment: This sequence change replaces glycine, which is neutral and non-polar, with arginine, which is basic and polar, at codon 150 of the SMARCA4 protein (p.Gly150Arg). This variant is not present in population databases (gnomAD no frequency). This variant has not been reported in the literature in individuals affected with SMARCA4-related conditions. ClinVar contains an entry for this variant (Variation ID: 470401). Invitae Evidence Modeling of protein sequence and biophysical properties (such as structural, functional, and spatial information, amino acid conservation, physicochemical variation, residue mobility, and thermodynamic stability) has been performed for this missense variant. However, the output from this modeling did not meet the statistical confidence thresholds required to predict the impact of this variant on SMARCA4 protein function. In summary, the available evidence is currently insufficient to determine the role of this variant in disease. Therefore, it has been classified as a Variant of Uncertain Significance.